The following is an entry in ClinVar:

NM_001378414.1(HDAC4):c.1360G>A (p.Val454Met)

Gene: HDAC4 (histone deacetylase 4; minus strand). Cytogenetic location: 2q37.3.
Variant type: single nucleotide variant.
Coding change: c.1360G>A on transcript NM_001378414.1 (MANE Select); coding-DNA position 1360, G replaced by A.
Protein change: p.Val454Met; replaces valine 454 with methionine.
Molecular consequence: missense variant.
Genome position (GRCh38, 1-based): chr2:239,126,629, C>T on the plus strand (G>A on the coding strand, the complement: HDAC4 is on the minus strand). VCF-style: chr2-239126629-C-T. GRCh37 (hg19) VCF-style: chr2-240048325-C-T.
Other names: c.1360G>A, p.Val454Met (NM_001378415.1); c.1345G>A, p.Val449Met (NM_001378416.1, NM_001378417.1, NM_006037.4); short protein forms V454M, V449M.
Identifiers: ClinVar variation 3104580 (VCV003104580.2), dbSNP rs750812086, ClinGen allele CA2199822.

ClinVar aggregate classification (germline): Conflicting classifications of pathogenicity. Review status: criteria provided, conflicting classifications (1 of 4 stars). 2 submissions from 2 submitters: Uncertain significance (1); Likely benign (1). Last evaluated 2025-07-09.

Conditions:
Inborn genetic diseases. Identifiers: MedGen C0950123, MeSH D030342.

Allele frequency attached by ClinVar (database versions not stated): 1000 Genomes Project 30x 0.00031.
gnomAD v4.1: 156 of 1,614,032 alleles (0.0097%); highest among the groups gnomAD compares: Admixed American, 0.092%; no homozygotes.

Submissions (2):

Labcorp Genetics (formerly Invitae), Labcorp
Classification: Uncertain significance. Last evaluated: 2025-07-09. Review status: criteria provided, single submitter. Criteria: Invitae Variant Classification Sherloc (09022015). Collection method: clinical testing. Allele origin: germline.
Comment: This sequence change replaces valine, which is neutral and non-polar, with methionine, which is neutral and non-polar, at codon 449 of the HDAC4 protein (p.Val449Met). This variant is present in population databases (rs750812086, gnomAD 0.07%), and has an allele count higher than expected for a pathogenic variant. This variant has not been reported in the literature in individuals affected with HDAC4-related conditions. ClinVar contains an entry for this variant (Variation ID: 3104580). Invitae Evidence Modeling of protein sequence and biophysical properties (such as structural, functional, and spatial information, amino acid conservation, physicochemical variation, residue mobility, and thermodynamic stability) indicates that this missense variant is not expected to disrupt HDAC4 protein function with a negative predictive value of 80%. In summary, the available evidence is currently insufficient to determine the role of this variant in disease. Therefore, it has been classified as a Variant of Uncertain Significance.

Ambry Genetics
Classification: Likely benign for Inborn genetic diseases. Last evaluated: 2023-10-27. Review status: criteria provided, single submitter. Criteria: Ambry Variant Classification Scheme 2023. Collection method: clinical testing. Allele origin: germline.